The following is an entry in ClinVar:

NM_014283.5(SUCO):c.638C>G (p.Thr213Arg)

Gene: SUCO (SUN domain containing ossification factor; plus strand). Cytogenetic location: 1q24.3.
Variant type: single nucleotide variant.
Coding change: c.638C>G on transcript NM_014283.5 (MANE Select); coding-DNA position 638, C replaced by G.
Protein change: p.Thr213Arg; replaces threonine 213 with arginine.
Molecular consequence: missense variant. On other transcripts: 5 prime UTR variant (1).
Genome position (GRCh38, 1-based): chr1:172,557,700, C>G. VCF-style: chr1-172557700-C-G. GRCh37 (hg19) VCF-style: chr1-172526840-C-G.
Other names: c.527C>G, p.Thr176Arg (NM_001282750.2); c.-892C>G (NM_001282751.2); c.1112C>G, p.Thr371Arg (NM_016227.4); short protein forms T176R, T213R, T371R.
Identifiers: ClinVar variation 2883544 (VCV002883544.3), dbSNP rs759450157, ClinGen allele CA1246604.

ClinVar aggregate classification (germline): Uncertain significance (1 of 4 stars; one submission).

gnomAD v4.1: 1 of 1,612,998 alleles (0.000062%); highest among the groups gnomAD compares: Admixed American, 0.0017%; no homozygotes.

Submission:

Labcorp Genetics (formerly Invitae), Labcorp
Classification: Uncertain significance. Last evaluated: 2023-01-28. Review status: criteria provided, single submitter. Criteria: Invitae Variant Classification Sherloc (09022015). Collection method: clinical testing. Allele origin: germline.
Comment: This sequence change replaces threonine, which is neutral and polar, with arginine, which is basic and polar, at codon 213 of the SUCO protein (p.Thr213Arg). In summary, the available evidence is currently insufficient to determine the role of this variant in disease. Therefore, it has been classified as a Variant of Uncertain Significance. Algorithms developed to predict the effect of missense changes on protein structure and function are either unavailable or do not agree on the potential impact of this missense change (SIFT: "Deleterious"; PolyPhen-2: "Probably Damaging"; Align-GVGD: "Class C0"). This variant has not been reported in the literature in individuals affected with SUCO-related conditions. This variant is present in population databases (rs759450157, gnomAD 0.003%).